The following is an entry in ClinVar:

ClinVar aggregate classification (germline): Benign/Likely benign. Review status: criteria provided, multiple submitters, no conflicts (2 of 4 stars). 2 submissions from 2 submitters: Benign (1); Likely benign (1). Last evaluated 2025-02-14.

Conditions:
Hereditary cancer-predisposing syndrome. Also called: Neoplastic Syndromes, Hereditary; Tumor predisposition; Hereditary Cancer Syndrome; Hereditary neoplastic syndrome. Identifiers: Orphanet 140162, MedGen C0027672, MeSH D009386, MONDO:0015356.
Breast-ovarian cancer, familial, susceptibility to, 3. Also called: RAD51C-Related Breast/Ovarian Cancer. Identifiers: Orphanet 145, MedGen C3150659, MONDO:0013253, OMIM 613399.

Submissions (2):

Myriad Genetics, Inc.
Classification: Benign for Breast-ovarian cancer, familial, susceptibility to, 3. Last evaluated: 2025-02-14. Review status: criteria provided, single submitter. Criteria: Myriad Autosomal Dominant, Autosomal Recessive and X-Linked Classification Criteria (2023). Collection method: clinical testing. Allele origin: unknown.
Comment: This variant is considered benign. This variant is a silent/synonymous amino acid change and it is not expected to impact splicing.

Ambry Genetics
Classification: Likely benign for Hereditary cancer-predisposing syndrome. Last evaluated: 2019-06-15. Review status: criteria provided, single submitter. Criteria: Ambry Variant Classification Scheme 2023. Collection method: clinical testing. Allele origin: germline.

NM_058216.3(RAD51C):c.390A>G (p.Gly130=)

Gene: RAD51C (RAD51 paralog C; plus strand). Cytogenetic location: 17q22.
Variant type: single nucleotide variant.
Coding change: c.390A>G on transcript NM_058216.3 (MANE Select); coding-DNA position 390, A replaced by G.
Protein change: p.Gly130=; no amino-acid change (glycine 130 retained).
Molecular consequence: synonymous variant. On other transcripts: non-coding transcript variant (2).
Genome position (GRCh38, 1-based): chr17:58,695,175, A>G. VCF-style: chr17-58695175-A-G. GRCh37 (hg19) VCF-style: chr17-56772536-A-G.
Other names: c.390A>G, p.Gly130= (NM_002876.4, NM_058217.1).
Identifiers: ClinVar variation 1736081 (VCV001736081.3), dbSNP rs2143727600, ClinGen allele CA501074813.